The following is an entry in ClinVar:

ClinVar aggregate classification (germline): Uncertain significance. Review status: criteria provided, multiple submitters, no conflicts (2 of 4 stars). 2 submissions from 2 submitters: Uncertain significance (2). Last evaluated 2024-10-21.

Conditions:
Inborn genetic diseases. Identifiers: MedGen C0950123, MeSH D030342.
Fanconi anemia (FA). Also called: Fanconi's anemia. Identifiers: Orphanet 84, MedGen C0015625, MeSH D005199, MONDO:0019391.

Allele frequency attached by ClinVar (database versions not stated): gnomAD exomes below 0.00001 and 0.00001; ExAC 0.00001; gnomAD 0.00001 and 0.00002; TOPMed 0.00002.
gnomAD v4.1: 5 of 1,203,155 alleles (0.00042%); highest among the groups gnomAD compares: Admixed American, 0.0088%; no homozygotes.

Submissions (2):

Ambry Genetics
Classification: Uncertain significance for Inborn genetic diseases. Last evaluated: 2024-10-21. Review status: criteria provided, single submitter. Criteria: Ambry Variant Classification Scheme 2023. Collection method: clinical testing. Allele origin: germline.

Labcorp Genetics (formerly Invitae), Labcorp
Classification: Uncertain significance for Fanconi anemia. Last evaluated: 2021-09-01. Review status: criteria provided, single submitter. Criteria: Invitae Variant Classification Sherloc (09022015). Collection method: clinical testing. Allele origin: germline.
Comment: This sequence change replaces threonine with alanine at codon 725 of the FANCB protein (p.Thr725Ala). The threonine residue is moderately conserved and there is a small physicochemical difference between threonine and alanine. This variant is present in population databases (rs765112491, ExAC 0.01%). This variant has not been reported in the literature in individuals affected with FANCB-related conditions. Algorithms developed to predict the effect of missense changes on protein structure and function are either unavailable or do not agree on the potential impact of this missense change (SIFT: "Tolerated"; PolyPhen-2: "Possibly Damaging"; Align-GVGD: "Class C0"). In summary, the available evidence is currently insufficient to determine the role of this variant in disease. Therefore, it has been classified as a Variant of Uncertain Significance.

NM_001018113.3(FANCB):c.2173A>G (p.Thr725Ala)

Gene: FANCB (FA complementation group B; minus strand). Cytogenetic location: Xp22.2.
Variant type: single nucleotide variant.
Coding change: c.2173A>G on transcript NM_001018113.3 (MANE Select); coding-DNA position 2173, A replaced by G.
Protein change: p.Thr725Ala; replaces threonine 725 with alanine.
Molecular consequence: missense variant.
Genome position (GRCh38, 1-based): chrX:14,843,974, T>C on the plus strand (A>G on the coding strand, the complement: FANCB is on the minus strand). VCF-style: chrX-14843974-T-C. GRCh37 (hg19) VCF-style: chrX-14862096-T-C.
Other names: c.2173A>G, p.Thr725Ala (NM_001324162.2, NM_152633.4); c.2173A>G (NM_001018113.1); short protein forms T725A.
Identifiers: ClinVar variation 1472868 (VCV001472868.6), dbSNP rs765112491, ClinGen allele CA10352944.